The following is an entry in ClinVar:

NM_017612.5(ZCCHC8):c.777G>A (p.Met259Ile)

Gene: ZCCHC8 (zinc finger CCHC-type containing 8; minus strand). Cytogenetic location: 12q24.31.
Variant type: single nucleotide variant.
Coding change: c.777G>A on transcript NM_017612.5 (MANE Select); coding-DNA position 777, G replaced by A.
Protein change: p.Met259Ile; replaces methionine 259 with isoleucine.
Molecular consequence: missense variant.
Genome position (GRCh38, 1-based): chr12:122,482,043, C>T on the plus strand (G>A on the coding strand, the complement: ZCCHC8 is on the minus strand). VCF-style: chr12-122482043-C-T. GRCh37 (hg19) VCF-style: chr12-122966590-C-T.
Other names: c.546G>A, p.Met182Ile (NM_001350935.2); c.480G>A, p.Met160Ile (NM_001350936.2); c.63G>A, p.Met21Ile (NM_001350937.2, NM_001350938.2); short protein forms M182I, M259I, M160I, M21I.
Identifiers: ClinVar variation 1477883 (VCV001477883.8), dbSNP rs767615811, ClinGen allele CA6846364.

ClinVar aggregate classification (germline): Uncertain significance (1 of 4 stars; one submission).

Allele frequency attached by ClinVar (database versions not stated): gnomAD exomes below 0.00001 and 0.00001; ExAC 0.00002.
gnomAD v4.1: 2 of 1,612,256 alleles (0.00012%); highest among the groups gnomAD compares: Admixed American, 0.0033%; no homozygotes.

Submission:

Labcorp Genetics (formerly Invitae), Labcorp
Classification: Uncertain significance. Last evaluated: 2021-05-04. Review status: criteria provided, single submitter. Criteria: Invitae Variant Classification Sherloc (09022015). Collection method: clinical testing. Allele origin: germline.
Comment: This sequence change replaces methionine with isoleucine at codon 259 of the ZCCHC8 protein (p.Met259Ile). The methionine residue is moderately conserved and there is a small physicochemical difference between methionine and isoleucine. This variant is present in population databases (rs767615811, ExAC 0.02%). This variant has not been reported in the literature in individuals with ZCCHC8-related conditions. Algorithms developed to predict the effect of missense changes on protein structure and function are either unavailable or do not agree on the potential impact of this missense change (SIFT: "Tolerated"; PolyPhen-2: "Not Available"; Align-GVGD: "Class C0"). In summary, the available evidence is currently insufficient to determine the role of this variant in disease. Therefore, it has been classified as a Variant of Uncertain Significance.